The following is an entry in ClinVar:

NM_000388.4(CASR):c.1987T>A (p.Ser663Thr)

Gene: CASR (calcium sensing receptor; plus strand). Cytogenetic location: 3q21.1.
Variant type: single nucleotide variant.
Coding change: c.1987T>A on transcript NM_000388.4 (MANE Select); coding-DNA position 1987, T replaced by A.
Protein change: p.Ser663Thr; replaces serine 663 with threonine.
Molecular consequence: missense variant.
Genome position (GRCh38, 1-based): chr3:122,283,941, T>A. VCF-style: chr3-122283941-T-A. GRCh37 (hg19) VCF-style: chr3-122002788-T-A.
Other names: c.2017T>A, p.Ser673Thr (NM_001178065.2); short protein forms S663T, S673T.
Identifiers: ClinVar variation 1485634 (VCV001485634.10), dbSNP rs2074927053, ClinGen allele CA354158244.

ClinVar aggregate classification (germline): Uncertain significance. Review status: criteria provided, multiple submitters, no conflicts (2 of 4 stars). 2 submissions from 2 submitters: Uncertain significance (2). Last evaluated 2023-04-12.

Conditions:
Nephrolithiasis/nephrocalcinosis. Identifiers: MedGen CN580796.
Familial hypocalciuric hypercalcemia (FHH). Also called: Familial benign hypercalcemia. Identifiers: Orphanet 405, MedGen C1809471, MONDO:0018458.
Autosomal dominant hypocalcemia 1 (HYPOC1). Also called: HYPOCALCEMIA, FAMILIAL. Identifiers: MedGen C3715128, MONDO:0011013, OMIM 601198.

Allele frequency attached by ClinVar (database versions not stated): TOPMed below 0.00001.

Submissions (2):

Labcorp Genetics (formerly Invitae), Labcorp
Classification: Uncertain significance for Familial hypocalciuric hypercalcemia; Autosomal dominant hypocalcemia 1. Last evaluated: 2023-04-12. Review status: criteria provided, single submitter. Criteria: Invitae Variant Classification Sherloc (09022015). Collection method: clinical testing. Allele origin: germline.
Comment: This variant has not been reported in the literature in individuals affected with CASR-related conditions. This variant is not present in population databases (gnomAD no frequency). This sequence change replaces serine, which is neutral and polar, with threonine, which is neutral and polar, at codon 663 of the CASR protein (p.Ser663Thr). In summary, the available evidence is currently insufficient to determine the role of this variant in disease. Therefore, it has been classified as a Variant of Uncertain Significance. An algorithm developed to predict the effect of missense changes on protein structure and function (PolyPhen-2) suggests that this variant is likely to be disruptive. ClinVar contains an entry for this variant (Variation ID: 1485634).

Ambry Genetics
Classification: Uncertain significance for Nephrolithiasis/nephrocalcinosis. Last evaluated: 2021-11-14. Review status: criteria provided, single submitter. Criteria: Ambry Variant Classification Scheme 2023. Collection method: clinical testing. Allele origin: germline.
Comment: The p.S663T variant (also known as c.1987T>A), located in coding exon 6 of the CASR gene, results from a T to A substitution at nucleotide position 1987. The serine at codon 663 is replaced by threonine, an amino acid with similar properties. This amino acid position is conserved. In addition, the in silico prediction for this alteration is inconclusive. Since supporting evidence is limited at this time, the clinical significance of this alteration remains unclear.